The following is an entry in ClinVar:

ClinVar aggregate classification (germline): Uncertain significance. Review status: criteria provided, multiple submitters, no conflicts (2 of 4 stars). 2 submissions from 2 submitters: Uncertain significance (2). Last evaluated 2025-05-19.

Allele frequency attached by ClinVar (database versions not stated): gnomAD exomes 0.00001.
gnomAD v4.1: 12 of 1,613,386 alleles (0.00074%); highest among the groups gnomAD compares: Non-Finnish European, 0.00093%; no homozygotes.

Submissions (2):

Labcorp Genetics (formerly Invitae), Labcorp
Classification: Uncertain significance. Last evaluated: 2025-05-19. Review status: criteria provided, single submitter. Criteria: Invitae Variant Classification Sherloc (09022015). Collection method: clinical testing. Allele origin: germline.
Comment: This sequence change replaces proline, which is neutral and non-polar, with histidine, which is basic and polar, at codon 3218 of the DCHS1 protein (p.Pro3218His). This variant is not present in population databases (gnomAD no frequency). This variant has not been reported in the literature in individuals affected with DCHS1-related conditions. ClinVar contains an entry for this variant (Variation ID: 1446744). An algorithm developed to predict the effect of missense changes on protein structure and function (PolyPhen-2) suggests that this variant is likely to be disruptive. In summary, the available evidence is currently insufficient to determine the role of this variant in disease. Therefore, it has been classified as a Variant of Uncertain Significance.

GeneDx
Classification: Uncertain significance. Last evaluated: 2022-09-15. Review status: criteria provided, single submitter. Criteria: GeneDx Variant Classification Process June 2021. Collection method: clinical testing. Allele origin: germline. Affected: yes.
Comment: Not observed at significant frequency in large population cohorts (gnomAD); In silico analysis supports that this missense variant has a deleterious effect on protein structure/function; Has not been previously published as pathogenic or benign to our knowledge

NM_003737.4(DCHS1):c.9653C>A (p.Pro3218His)

Gene: DCHS1 (dachsous cadherin-related 1; minus strand). Cytogenetic location: 11p15.4.
Variant type: single nucleotide variant.
Coding change: c.9653C>A on transcript NM_003737.4 (MANE Select); coding-DNA position 9653, C replaced by A.
Protein change: p.Pro3218His; replaces proline 3218 with histidine.
Molecular consequence: missense variant.
Genome position (GRCh38, 1-based): chr11:6,622,023, G>T on the plus strand (C>A on the coding strand, the complement: DCHS1 is on the minus strand). VCF-style: chr11-6622023-G-T. GRCh37 (hg19) VCF-style: chr11-6643254-G-T.
Other names: c.9653C>A (NM_003737.3); short protein forms P3218H.
Identifiers: ClinVar variation 1446744 (VCV001446744.6), dbSNP rs1394619129, ClinGen allele CA379478308.